The following is an entry in ClinVar:

ClinVar aggregate classification (germline): Pathogenic/Likely pathogenic. Review status: criteria provided, multiple submitters, no conflicts (2 of 4 stars). 3 submissions from 3 submitters: Pathogenic (2); Likely pathogenic (1). Last evaluated 2022-06-10.

Conditions:
RHO-related disorder. Also called: RHO-related condition.

Submissions (3):

Blueprint Genetics
Classification: Likely pathogenic for RHO-related disorders. Last evaluated: 2022-06-10. Review status: criteria provided, single submitter. Criteria: ACMG Guidelines, 2015. Collection method: clinical testing. Allele origin: germline. Affected: yes. Observed: 1 variant allele.

Labcorp Genetics (formerly Invitae), Labcorp
Classification: Pathogenic. Last evaluated: 2022-03-11. Review status: criteria provided, single submitter. Criteria: Invitae Variant Classification Sherloc (09022015). Collection method: clinical testing. Allele origin: germline.
Comment: This sequence change creates a premature translational stop signal (p.Gly120Alafs*24) in the RHO gene. It is expected to result in an absent or disrupted protein product. Loss-of-function variants in RHO are known to be pathogenic (PMID: 1303237, 21174529). This variant is not present in population databases (gnomAD no frequency). This variant has not been reported in the literature in individuals affected with RHO-related conditions. ClinVar contains an entry for this variant (Variation ID: 373094). For these reasons, this variant has been classified as Pathogenic.

GeneDx
Classification: Pathogenic. Last evaluated: 2016-11-08. Review status: criteria provided, single submitter. Criteria: GeneDx Variant Classification (06012015). Collection method: clinical testing. Allele origin: germline. Affected: yes.
Comment: The c.359delG variant in the RHO gene has not been reported previously as a pathogenic variant nor as a benign variant, to our knowledge. The c.359delG variant causes a frameshift starting with codon Glycine 120, changes this amino acid to an Alanine residue, and creates a premature Stop codon at position 24 of the new reading frame, denoted p.Gly120AlafsX24. This variant is predicted to cause loss of normal protein function either through protein truncation or nonsense-mediated mRNA decay. The c.359delG variant was not observed in approximately 6,500 individuals of European and African American ancestry in the NHLBI Exome Sequencing Project, indicating it is not a common benign variant in these populations. We interpret c.359delG as a pathogenic variant.

Literature cited by the submitters: PubMed 1303237 (cited by Labcorp Genetics (formerly Invitae), Labcorp); PubMed 21174529 (cited by Labcorp Genetics (formerly Invitae), Labcorp).

NM_000539.3(RHO):c.359del (p.Gly120fs)

Gene: RHO (rhodopsin; plus strand). Cytogenetic location: 3q22.1.
Variant type: Deletion.
Coding change: c.359del on transcript NM_000539.3 (MANE Select); coding-DNA position 359, one base deleted (G; older notation c.359delG).
Protein change: p.Gly120fs; shifts the reading frame from glycine 120.
Molecular consequence: frameshift variant.
Genome position (GRCh38, 1-based): chr3:129,529,092, G deleted; the last of 3 consecutive G bases (chr3:129,529,090-129,529,092); deleting any one gives the same sequence. VCF-style (leftmost placement, unchanged base first): chr3-129529089-TG-T. GRCh37 (hg19) VCF-style: chr3-129247932-TG-T.
Other names: c.359delG (NM_000539.3); short protein forms G120fs.
Identifiers: ClinVar variation 373094 (VCV000373094.7), dbSNP rs1057518210, ClinGen allele CA16042497.